The following is an entry in ClinVar:

ClinVar aggregate classification (germline): Uncertain significance (1 of 4 stars; one submission).

Conditions:
Noonan syndrome 9 (NS9). Identifiers: Orphanet 648, MedGen C4225282, MONDO:0014691, OMIM 616559.

Submission:

Labcorp Genetics (formerly Invitae), Labcorp
Classification: Uncertain significance for Noonan syndrome 9. Last evaluated: 2022-09-01. Review status: criteria provided, single submitter. Criteria: Invitae Variant Classification Sherloc (09022015). Collection method: clinical testing. Allele origin: germline.
Comment: In summary, the available evidence is currently insufficient to determine the role of this variant in disease. Therefore, it has been classified as a Variant of Uncertain Significance. Algorithms developed to predict the effect of missense changes on protein structure and function (SIFT, PolyPhen-2, Align-GVGD) all suggest that this variant is likely to be tolerated. ClinVar contains an entry for this variant (Variation ID: 1346142). This variant has not been reported in the literature in individuals affected with SOS2-related conditions. This variant is not present in population databases (gnomAD no frequency). This sequence change replaces isoleucine, which is neutral and non-polar, with valine, which is neutral and non-polar, at codon 300 of the SOS2 protein (p.Ile300Val).

NM_006939.4(SOS2):c.898A>G (p.Ile300Val)

Gene: SOS2 (SOS Ras/Rho guanine nucleotide exchange factor 2; minus strand). Cytogenetic location: 14q21.3.
Variant type: single nucleotide variant.
Coding change: c.898A>G on transcript NM_006939.4 (MANE Select); coding-DNA position 898, A replaced by G.
Protein change: p.Ile300Val; replaces isoleucine 300 with valine.
Molecular consequence: missense variant.
Genome position (GRCh38, 1-based): chr14:50,180,643, T>C on the plus strand (A>G on the coding strand, the complement: SOS2 is on the minus strand). VCF-style: chr14-50180643-T-C. GRCh37 (hg19) VCF-style: chr14-50647361-T-C.
Other names: short protein forms I300V.
Identifiers: ClinVar variation 1346142 (VCV001346142.8), dbSNP rs1248787575, ClinGen allele CA389647055.